The following is an entry in ClinVar:

NM_004972.4(JAK2):c.1061T>A (p.Ile354Asn)

Genes: INSL6 (insulin like 6; minus strand), JAK2 (Janus kinase 2; plus strand). Cytogenetic location: 9p24.1.
Variant type: single nucleotide variant.
Coding change: c.1061T>A on transcript NM_004972.4 (MANE Select); coding-DNA position 1061, T replaced by A.
Protein change: p.Ile354Asn; replaces isoleucine 354 with asparagine.
Molecular consequence: missense variant. On other transcripts: non-coding transcript variant (2), 5 prime UTR variant (2).
Genome position (GRCh38, 1-based): chr9:5,064,887, T>A. VCF-style: chr9-5064887-T-A. GRCh37 (hg19) VCF-style: chr9-5064887-T-A.
Other names: c.1061T>A, p.Ile354Asn (NM_001322194.2, NM_001322195.2, NM_001322196.2); c.-155T>A (NM_001322198.2, NM_001322199.2); c.614T>A, p.Ile205Asn (NM_001322204.2); short protein forms I354N, I205N.
Identifiers: ClinVar variation 3688387 (VCV003688387.2).
Genomic context (GRCh38, chr9:5,064,887, plus strand): 5'-TTAACATGGAGTTGACTTTCTAAAAGGTGCTATTTCTTTTTCTTTTCTCTGCTTAGGAAA[T>A]TGAACTTAGCTCATTAAGGGAAGCTTTGTCTTTCGTGTCATTAATTGATGGATATTATAG-3'
Protein context (NP_004963.1, residues 344-364): IHKQDGKNLE[Ile354Asn]ELSSLREALS

ClinVar aggregate classification (germline): Uncertain significance (1 of 4 stars; one submission).

gnomAD v4.1: 5 of 1,571,648 alleles (0.00032%); highest among the groups gnomAD compares: Non-Finnish European, 0.00043%; no homozygotes.

Submission:

Labcorp Genetics (formerly Invitae), Labcorp
Classification: Uncertain significance. Last evaluated: 2025-06-04. Review status: criteria provided, single submitter. Criteria: Invitae Variant Classification Sherloc (09022015). Collection method: clinical testing. Allele origin: germline.
Comment: This sequence change replaces isoleucine, which is neutral and non-polar, with asparagine, which is neutral and polar, at codon 354 of the JAK2 protein (p.Ile354Asn). This variant is not present in population databases (gnomAD no frequency). This variant has not been reported in the literature in individuals affected with JAK2-related conditions. ClinVar contains an entry for this variant (Variation ID: 3688387). Invitae Evidence Modeling of protein sequence and biophysical properties (such as structural, functional, and spatial information, amino acid conservation, physicochemical variation, residue mobility, and thermodynamic stability) indicates that this missense variant is not expected to disrupt JAK2 protein function with a negative predictive value of 80%. In summary, the available evidence is currently insufficient to determine the role of this variant in disease. Therefore, it has been classified as a Variant of Uncertain Significance.